The following is an entry in ClinVar:

ClinVar aggregate classification (germline): Uncertain significance. Review status: criteria provided, multiple submitters, no conflicts (2 of 4 stars). 3 submissions from 3 submitters: Uncertain significance (3). Last evaluated 2024-11-05.

Conditions:
Hereditary cancer-predisposing syndrome. Also called: Tumor predisposition; Hereditary Cancer Syndrome; Hereditary neoplastic syndrome; Neoplastic Syndromes, Hereditary. Identifiers: Orphanet 140162, MedGen C0027672, MeSH D009386, MONDO:0015356.
Breast-ovarian cancer, familial, susceptibility to, 4. Identifiers: Orphanet 145, MedGen C3280345, MONDO:0013669, OMIM 614291.

Allele frequency attached by ClinVar (database versions not stated): gnomAD exomes below 0.00001; TOPMed 0.00001.

Submissions (3):

Ambry Genetics
Classification: Uncertain significance for Hereditary cancer-predisposing syndrome. Last evaluated: 2024-11-05. Review status: criteria provided, single submitter. Criteria: Ambry Variant Classification Scheme 2023. Collection method: clinical testing. Allele origin: germline.
Comment: The p.N123S variant (also known as c.368A>G), located in coding exon 5 of the RAD51D gene, results from an A to G substitution at nucleotide position 368. The asparagine at codon 123 is replaced by serine, an amino acid with highly similar properties. This variant was observed in an individual with early onset-breast cancer amongst a cohort of 1781 non-Ashkenazi Jewish individuals undergoing BRCA1/2 gene testing based on a personal history of breast cancer (Tung N et al. Cancer, 2015 Jan;121:25-33). This amino acid position is not well conserved in available vertebrate species. In addition, this alteration is predicted to be tolerated by in silico analysis. Based on the available evidence, the clinical significance of this variant remains unclear.

Labcorp Genetics (formerly Invitae), Labcorp
Classification: Uncertain significance for Breast-ovarian cancer, familial, susceptibility to, 4. Last evaluated: 2023-06-27. Review status: criteria provided, single submitter. Criteria: Invitae Variant Classification Sherloc (09022015). Collection method: clinical testing. Allele origin: germline.
Comment: In summary, the available evidence is currently insufficient to determine the role of this variant in disease. Therefore, it has been classified as a Variant of Uncertain Significance. Advanced modeling of protein sequence and biophysical properties (such as structural, functional, and spatial information, amino acid conservation, physicochemical variation, residue mobility, and thermodynamic stability) performed at Invitae indicates that this missense variant is not expected to disrupt RAD51D protein function. ClinVar contains an entry for this variant (Variation ID: 410550). This variant has not been reported in the literature in individuals affected with RAD51D-related conditions. This variant is present in population databases (no rsID available, gnomAD 0.006%). This sequence change replaces asparagine, which is neutral and polar, with serine, which is neutral and polar, at codon 123 of the RAD51D protein (p.Asn123Ser).

GeneDx
Classification: Uncertain significance. Last evaluated: 2019-12-18. Review status: criteria provided, single submitter. Criteria: GeneDx Variant Classification Process June 2021. Collection method: clinical testing. Allele origin: germline. Affected: yes.
Comment: Not observed in large population cohorts (Lek 2016); In silico analysis, which includes protein predictors and evolutionary conservation, supports that this variant does not alter protein structure/function; Has not been previously published as pathogenic or benign to our knowledge

Literature cited by the submitters: PubMed 25186627 (cited by Ambry Genetics).

NM_002878.4(RAD51D):c.368A>G (p.Asn123Ser)

Genes: RAD51D (RAD51 paralog D; minus strand), RAD51L3-RFFL (RAD51L3-RFFL readthrough; minus strand). Cytogenetic location: 17q12.
Variant type: single nucleotide variant.
Coding change: c.368A>G on transcript NM_002878.4 (MANE Select); coding-DNA position 368, A replaced by G.
Protein change: p.Asn123Ser; replaces asparagine 123 with serine.
Molecular consequence: missense variant. On other transcripts: non-coding transcript variant (1), intron variant (1).
Genome position (GRCh38, 1-based): chr17:35,107,100, T>C on the plus strand (A>G on the coding strand, the complement: RAD51D is on the minus strand). VCF-style: chr17-35107100-T-C. GRCh37 (hg19) VCF-style: chr17-33434119-T-C.
Other names: c.428A>G, p.Asn143Ser (NM_001142571.2); c.145-619A>G (NM_133629.3); short protein forms N123S, N143S.
Identifiers: ClinVar variation 410550 (VCV000410550.11), dbSNP rs918988936, ClinGen allele CA16615600.